The following is an entry in ClinVar:

ClinVar aggregate classification (germline): Pathogenic (1 of 4 stars; one submission).

Submission:

Labcorp Genetics (formerly Invitae), Labcorp
Classification: Pathogenic. Last evaluated: 2024-10-19. Review status: criteria provided, single submitter. Criteria: Invitae Variant Classification Sherloc (09022015). Collection method: clinical testing. Allele origin: germline.
Comment: This sequence change creates a premature translational stop signal (p.Glu497*) in the USH2A gene. It is expected to result in an absent or disrupted protein product. Loss-of-function variants in USH2A are known to be pathogenic (PMID: 10729113, 10909849, 20507924, 25649381). This variant is not present in population databases (gnomAD no frequency). This variant has not been reported in the literature in individuals affected with USH2A-related conditions. Algorithms developed to predict the effect of sequence changes on RNA splicing suggest that this variant may disrupt the consensus splice site. For these reasons, this variant has been classified as Pathogenic.

Literature cited by the submitters: PubMed 10729113; PubMed 10909849; PubMed 20507924; PubMed 25649381.

NM_206933.4(USH2A):c.1489G>T (p.Glu497Ter)

Gene: USH2A (usherin; minus strand). Cytogenetic location: 1q41.
Variant type: single nucleotide variant.
Coding change: c.1489G>T on transcript NM_206933.4 (MANE Select); coding-DNA position 1489, G replaced by T.
Protein change: p.Glu497Ter; replaces glutamic acid 497 with a stop codon.
Molecular consequence: nonsense.
Genome position (GRCh38, 1-based): chr1:216,323,535, C>A on the plus strand (G>T on the coding strand, the complement: USH2A is on the minus strand). VCF-style: chr1-216323535-C-A. GRCh37 (hg19) VCF-style: chr1-216496877-C-A.
Other names: c.1489G>T, p.Glu497Ter (NM_007123.6); short protein forms E497*.
Identifiers: ClinVar variation 3723273 (VCV003723273.2).
Genomic context (GRCh38, chr1:216,323,535, plus strand): 5'-TCCCACTAATGGTGATTTCGTCCACTGCATAATATCTGTGTCTGAGGTTAACAGCAGTCT[C>A]AGTTGTATAGTACTGCCCATGAAAATGAAACCTTATTTGCGTGGCTTTTACGAACTCTTG-3'